The following is an entry in ClinVar:

ClinVar aggregate classification (germline): Uncertain significance. Review status: criteria provided, multiple submitters, no conflicts (2 of 4 stars). 3 submissions from 3 submitters: Uncertain significance (3). Last evaluated 2025-09-14.

Conditions:
Gastrointestinal stromal tumor. Also called: Gastrointestinal stromal tumor, somatic; Gastrointestinal stroma tumor. Identifiers: Orphanet 44890, MedGen C0238198, MeSH D046152, MONDO:0011719, OMIM 606764, HP:0100723.
Hereditary cancer-predisposing syndrome. Also called: Tumor predisposition; Neoplastic Syndromes, Hereditary; Hereditary neoplastic syndrome; Hereditary Cancer Syndrome. Identifiers: Orphanet 140162, MedGen C0027672, MeSH D009386, MONDO:0015356.

Submissions (3):

Labcorp Genetics (formerly Invitae), Labcorp
Classification: Uncertain significance for Gastrointestinal stromal tumor. Last evaluated: 2025-09-14. Review status: criteria provided, single submitter. Criteria: Invitae Variant Classification Sherloc (09022015). Collection method: clinical testing. Allele origin: germline.
Comment: This sequence change replaces arginine, which is basic and polar, with serine, which is neutral and polar, at codon 558 of the PDGFRA protein (p.Arg558Ser). This variant is not present in population databases (gnomAD no frequency). This variant has not been reported in the literature in individuals affected with PDGFRA-related conditions. ClinVar contains an entry for this variant (Variation ID: 1062992). Invitae Evidence Modeling of protein sequence and biophysical properties (such as structural, functional, and spatial information, amino acid conservation, physicochemical variation, residue mobility, and thermodynamic stability) has been performed for this missense variant. However, the output from this modeling did not meet the statistical confidence thresholds required to predict the impact of this variant on PDGFRA protein function. Algorithms developed to predict the effect of sequence changes on RNA splicing suggest that this variant may disrupt the consensus splice site. In summary, the available evidence is currently insufficient to determine the role of this variant in disease. Therefore, it has been classified as a Variant of Uncertain Significance.

GeneDx
Classification: Uncertain significance. Last evaluated: 2024-04-03. Review status: criteria provided, single submitter. Criteria: GeneDx Variant Classification Process June 2021. Collection method: clinical testing. Allele origin: germline. Affected: yes.
Comment: Not observed at significant frequency in large population cohorts (gnomAD); In silico analysis supports that this missense variant has a deleterious effect on protein structure/function; Has not been previously published as pathogenic or benign to our knowledge

Ambry Genetics
Classification: Uncertain significance for Hereditary cancer-predisposing syndrome. Last evaluated: 2024-02-24. Review status: criteria provided, single submitter. Criteria: Ambry Variant Classification Scheme 2023. Collection method: clinical testing. Allele origin: germline.
Comment: The p.R558S variant (also known as c.1672C>A), located in coding exon 11 of the PDGFRA gene, results from a C to A substitution at nucleotide position 1672. The arginine at codon 558 is replaced by serine, an amino acid with dissimilar properties. This amino acid position is highly conserved in available vertebrate species. In addition, this alteration is predicted to be deleterious by in silico analysis. Since supporting evidence is limited at this time, the clinical significance of this alteration remains unclear.

NM_006206.6(PDGFRA):c.1672C>A (p.Arg558Ser)

Gene: PDGFRA (platelet derived growth factor receptor alpha; plus strand). Cytogenetic location: 4q12.
Variant type: single nucleotide variant.
Coding change: c.1672C>A on transcript NM_006206.6 (MANE Select); coding-DNA position 1672, C replaced by A.
Protein change: p.Arg558Ser; replaces arginine 558 with serine.
Molecular consequence: missense variant.
Genome position (GRCh38, 1-based): chr4:54,274,859, C>A. VCF-style: chr4-54274859-C-A. GRCh37 (hg19) VCF-style: chr4-55141026-C-A.
Other names: c.1672C>A, p.Arg558Ser (NM_001347827.2, NM_001347829.2); c.1747C>A, p.Arg583Ser (NM_001347828.2); c.1711C>A, p.Arg571Ser (NM_001347830.2); short protein forms R558S, R571S, R583S.
Identifiers: ClinVar variation 1062992 (VCV001062992.12), dbSNP rs765680542, ClinGen allele CA356893055.